The following is an entry in ClinVar:

ClinVar aggregate classification (germline): Uncertain significance. Review status: criteria provided, multiple submitters, no conflicts (2 of 4 stars). 2 submissions from 2 submitters: Uncertain significance (2). Last evaluated 2025-12-23.

Conditions:
Cardiovascular phenotype. Identifiers: MedGen CN230736.
Hypercholesterolemia, familial, 4 (FHCL4). Also called: HYPERCHOLESTEROLEMIA, AUTOSOMAL RECESSIVE, 1; HYPERCHOLESTEROLEMIA, AUTOSOMAL RECESSIVE, 2. Identifiers: Orphanet 391665, MedGen C1863512, MONDO:0011374, OMIM 603813.

Allele frequency attached by ClinVar (database versions not stated): ExAC 0.00001; gnomAD 0.00001; gnomAD exomes 0.00001; TOPMed 0.00001.

Submissions (2):

Labcorp Genetics (formerly Invitae), Labcorp
Classification: Uncertain significance for Hypercholesterolemia, familial, 4. Last evaluated: 2025-12-23. Review status: criteria provided, single submitter. Criteria: Invitae Variant Classification Sherloc (09022015). Collection method: clinical testing. Allele origin: germline.
Comment: This sequence change replaces threonine, which is neutral and polar, with lysine, which is basic and polar, at codon 100 of the LDLRAP1 protein (p.Thr100Lys). This variant is present in population databases (rs752670304, gnomAD 0.002%). This variant has not been reported in the literature in individuals affected with LDLRAP1-related conditions. ClinVar contains an entry for this variant (Variation ID: 1798608). Invitae Evidence Modeling of protein sequence and biophysical properties (such as structural, functional, and spatial information, amino acid conservation, physicochemical variation, residue mobility, and thermodynamic stability) indicates that this missense variant is not expected to disrupt LDLRAP1 protein function with a negative predictive value of 80%. In summary, the available evidence is currently insufficient to determine the role of this variant in disease. Therefore, it has been classified as a Variant of Uncertain Significance.

Ambry Genetics
Classification: Uncertain significance for Cardiovascular phenotype. Last evaluated: 2025-06-30. Review status: criteria provided, single submitter. Criteria: Ambry Variant Classification Scheme 2023. Collection method: clinical testing. Allele origin: germline.
Comment: The p.T100K variant (also known as c.299C>A), located in coding exon 3 of the LDLRAP1 gene, results from a C to A substitution at nucleotide position 299. The threonine at codon 100 is replaced by lysine, an amino acid with similar properties. This amino acid position is conserved. In addition, this alteration is predicted to be tolerated by in silico analysis. Since supporting evidence is limited at this time, the clinical significance of this alteration remains unclear.

NM_015627.3(LDLRAP1):c.299C>A (p.Thr100Lys)

Gene: LDLRAP1 (low density lipoprotein receptor adaptor protein 1; plus strand). Cytogenetic location: 1p36.11.
Variant type: single nucleotide variant.
Coding change: c.299C>A on transcript NM_015627.3 (MANE Select); coding-DNA position 299, C replaced by A.
Protein change: p.Thr100Lys; replaces threonine 100 with lysine.
Molecular consequence: missense variant.
Genome position (GRCh38, 1-based): chr1:25,554,927, C>A. VCF-style: chr1-25554927-C-A. GRCh37 (hg19) VCF-style: chr1-25881418-C-A.
Other names: short protein forms T100K.
Identifiers: ClinVar variation 1798608 (VCV001798608.4), dbSNP rs752670304, ClinGen allele CA695495.